The following is an entry in ClinVar:

ClinVar aggregate classification (germline): Likely benign (1 of 4 stars; one submission).

Allele frequency attached by ClinVar (database versions not stated): gnomAD exomes 0.00003; TOPMed 0.00024; gnomAD 0.00025; 1000 Genomes Project 30x 0.00047; 1000 Genomes Project 0.00060.
gnomAD v4.1: 83 of 1,536,092 alleles (0.0054%); highest among the groups gnomAD compares: African/African-American, 0.089%; no homozygotes.

Submission:

CeGaT Center for Human Genetics Tuebingen
Classification: Likely benign. Last evaluated: 2023-07-01. Review status: criteria provided, single submitter. Criteria: CeGaT Center For Human Genetics Tuebingen Variant Classification Criteria Version 2. Collection method: clinical testing. Allele origin: germline. Affected: yes. Observed: 1 variant allele.
Comment: AP2M1: BP4, BS2

NM_004068.4(AP2M1):c.75-643G>A

Gene: AP2M1 (adaptor related protein complex 2 subunit mu 1; plus strand). Cytogenetic location: 3q27.1.
Variant type: single nucleotide variant.
Coding change: c.75-643G>A on transcript NM_004068.4 (MANE Select); 643 bases into the intron before coding-DNA position 75, G replaced by A.
Molecular consequence: intron variant.
Genome position (GRCh38, 1-based): chr3:184,178,214, G>A. VCF-style: chr3-184178214-G-A. GRCh37 (hg19) VCF-style: chr3-183896002-G-A.
Other names: c.144-4G>A (NM_001311198.2); c.75-643G>A (NM_001025205.2).
Identifiers: ClinVar variation 2578955 (VCV002578955.25), dbSNP rs533163564, ClinGen allele CA88860148.